The following is an entry in ClinVar:

ClinVar aggregate classification (germline): Uncertain significance (1 of 4 stars; one submission).

Conditions:
Central core myopathy (CMYO1A). Also called: CONGENITAL MYOPATHY 1A, AUTOSOMAL DOMINANT, WITH SUSCEPTIBILITY TO MALIGNANT HYPERTHERMIA; Central core disease; Myopathy, central fibrillar. Identifiers: Orphanet 597, MedGen C5830701, MONDO:0007294, OMIM 117000.

Submission:

Neuberg Centre For Genomic Medicine, NCGM
Classification: Uncertain significance for Central core myopathy. Review status: criteria provided, single submitter. Criteria: ACMG Guidelines, 2015. Collection method: clinical testing. Allele origin: germline. Inheritance: Autosomal dominant inheritance. Affected: yes.
Comment: The c.14624T>A (p.Met4875Lys) missense variant in RYR1 gene has not been reported previously as a pathogenic variant nor as a benign variant, to our knowledge. The p.Met4875Lys variant is novel (not in any individuals) in gnomAD Exomes and 1000 Genomes. The amino acid Met at position 4875 is changed to a Lys changing protein sequence and it might alter its composition and physico-chemical properties. The amino acid change p.Met4875Lys in RYR1 is predicted as conserved by GERP++ and PhyloP across 100 vertebrates. For these reasons, this variant has been classified as Variant of Uncertain Significance (VUS).

NM_000540.3(RYR1):c.14624T>A (p.Met4875Lys)

Gene: RYR1 (ryanodine receptor 1; plus strand). Cytogenetic location: 19q13.2.
Variant type: single nucleotide variant.
Coding change: c.14624T>A on transcript NM_000540.3 (MANE Select); coding-DNA position 14624, T replaced by A.
Protein change: p.Met4875Lys; replaces methionine 4875 with lysine.
Molecular consequence: missense variant.
Genome position (GRCh38, 1-based): chr19:38,580,482, T>A. VCF-style: chr19-38580482-T-A. GRCh37 (hg19) VCF-style: chr19-39071122-T-A.
Other names: c.14609T>A, p.Met4870Lys (NM_001042723.2); short protein forms M4875K, M4870K.
Identifiers: ClinVar variation 2585627 (VCV002585627.1), dbSNP rs2514752608, ClinGen allele CA405688033.